The following is an entry in ClinVar:

ClinVar aggregate classification (germline): Benign (1 of 4 stars; one submission).

Allele frequency attached by ClinVar (database versions not stated): 1000 Genomes Project 0.81881; TOPMed 0.80820; 1000 Genomes Project 30x 0.81644.

Submission:

GeneDx
Classification: Benign. Last evaluated: 2020-04-30. Review status: criteria provided, single submitter. Criteria: GeneDx Variant Classification Process June 2021. Collection method: clinical testing. Allele origin: germline. Affected: yes.
Comment: This variant is associated with the following publications: (PMID: 23554038)

NM_002351.5(SH2D1A):c.201+317T>G

Gene: SH2D1A (SH2 domain containing 1A; plus strand). Cytogenetic location: Xq25.
Variant type: single nucleotide variant.
Coding change: c.201+317T>G on transcript NM_002351.5 (MANE Select); 317 bases into the intron after coding-DNA position 201, T replaced by G.
Molecular consequence: intron variant.
Genome position (GRCh38, 1-based): chrX:124,366,141, T>G. VCF-style: chrX-124366141-T-G. GRCh37 (hg19) VCF-style: chrX-123499991-T-G.
Other names: c.201+317T>G (NM_001114937.3).
Identifiers: ClinVar variation 1278483 (VCV001278483.1), dbSNP rs2049995, ClinGen allele CA335081081.
Genomic context (GRCh38, chrX:124,366,141, plus strand): 5'-AGTGACTATGTGAAATCTTAGCATATCAAAAGTAGGTAAAATAATTAAATGAACAATTAT[T>G]TACCAAATGATACCAATATGAGTATTGGTATCGTGGGAGATTAAAAAACATGATGCTTAT-3'